The following is an entry in ClinVar:

ClinVar aggregate classification (germline): Uncertain significance (1 of 4 stars; one submission).

Submission:

Greenwood Genetic Center Diagnostic Laboratories, Greenwood Genetic Center
Classification: Uncertain significance. Last evaluated: 2022-03-08. Review status: criteria provided, single submitter. Criteria: ACMG Guidelines, 2015. Collection method: clinical testing. Allele origin: germline. Affected: yes.
Comment: PM2, PP2

NM_014991.6(WDFY3):c.4136C>G (p.Ser1379Cys)

Gene: WDFY3 (WD repeat and FYVE domain containing 3; minus strand). Cytogenetic location: 4q21.23.
Variant type: single nucleotide variant.
Coding change: c.4136C>G on transcript NM_014991.6 (MANE Select); coding-DNA position 4136, C replaced by G.
Protein change: p.Ser1379Cys; replaces serine 1379 with cysteine.
Molecular consequence: missense variant.
Genome position (GRCh38, 1-based): chr4:84,783,001, G>C on the plus strand (C>G on the coding strand, the complement: WDFY3 is on the minus strand). VCF-style: chr4-84783001-G-C. GRCh37 (hg19) VCF-style: chr4-85704154-G-C.
Other names: short protein forms S1379C.
Identifiers: ClinVar variation 1676470 (VCV001676470.3), dbSNP rs2149493841, ClinGen allele CA357551838.
Genomic context (GRCh38, chr4:84,783,001, plus strand): 5'-CAACAAAGATAAGTCCACTCACCCAAGTATCCAATCAGAGCGGCCCCAATTGTCCGTGCA[G>C]ATCCATTAAGATGTCCTGCTGAATTGTGTATCAACTTCACAGGAGTGGCATTCTCATGTG-3'
Protein context (NP_055806.2, residues 1369-1389): IHNSAGHLNG[Ser1379Cys]ARTIGAALIG